The following is an entry in ClinVar:

NM_014974.3(DIP2C):c.2415C>T (p.Asn805=)

Genes: DIP2C (DIP2 acetate--CoA ligase C (putative); minus strand), LOC126860806 (MED14-independent group 3 enhancer GRCh37_chr10:409736-410935; plus strand). Cytogenetic location: 10p15.3.
Variant type: single nucleotide variant.
Coding change: c.2415C>T on transcript NM_014974.3 (MANE Select); coding-DNA position 2415, C replaced by T.
Protein change: p.Asn805=; no amino-acid change (asparagine 805 retained).
Molecular consequence: synonymous variant.
Genome position (GRCh38, 1-based): chr10:364,436, G>A on the plus strand (C>T on the coding strand, the complement: DIP2C is on the minus strand). VCF-style: chr10-364436-G-A. GRCh37 (hg19) VCF-style: chr10-410376-G-A.
Other names: c.2415C>T (NM_014974.2).
Identifiers: ClinVar variation 1454560 (VCV001454560.10), dbSNP rs768099475, ClinGen allele CA5380445.
Genomic context (GRCh38, chr10:364,436, plus strand): 5'-TCCCCGGTAGACAAACTTCATGGGTTCTACGGCCAGCGCAGTGGCCACGATGTCGTCGGC[G>A]TTGTGCCTGCGCCCGCTGACCACCATGAGGCCATCCATCTTGCCCACCACGAAGACGAGG-3'
Protein context (NP_055789.1, residues 795-815): GLMVVSGRRH[Asn805=]ADDIVATALA

ClinVar aggregate classification (germline): Likely benign. Review status: criteria provided, single submitter (1 of 4 stars). 2 submissions from 2 submitters: Likely benign (1). 1 of the submissions does not count toward it. Last evaluated 2025-12-17.

Conditions:
DIP2C-related disorder. Also called: DIP2C-related condition.

Allele frequency attached by ClinVar (database versions not stated): gnomAD 0.00009 and 0.00010; TOPMed 0.00009; ExAC 0.00015; gnomAD exomes 0.00015 and 0.00016.
gnomAD v4.1: 245 of 1,614,076 alleles (0.015%); highest among the groups gnomAD compares: Middle Eastern, 0.18%; 1 homozygote.

Submissions (2):

Labcorp Genetics (formerly Invitae), Labcorp
Classification: Likely benign. Last evaluated: 2025-12-17. Review status: criteria provided, single submitter. Criteria: Invitae Variant Classification Sherloc (09022015). Collection method: clinical testing. Allele origin: germline.

PreventionGenetics, part of Exact Sciences
Classification: Likely benign for DIP2C-related condition. Last evaluated: 2019-09-05. Review status: no assertion criteria provided. Collection method: clinical testing. Allele origin: germline. Not counted in ClinVar's aggregate classification.
Comment: This variant is classified as likely benign based on ACMG/AMP sequence variant interpretation guidelines (Richards et al. 2015 PMID: 25741868, with internal and published modifications).